The following is an entry in ClinVar:

ClinVar aggregate classification (germline): Uncertain significance (1 of 4 stars; one submission).

Conditions:
Joubert syndrome 16 (JBTS16). Identifiers: Orphanet 2318, MedGen C3280906, MONDO:0013764, OMIM 614465.

Allele frequency attached by ClinVar (database versions not stated): gnomAD exomes below 0.00001; TOPMed 0.00001.
gnomAD v4.1: 8 of 1,612,606 alleles (0.0005%); highest among the groups gnomAD compares: Admixed American, 0.0017%; no homozygotes.

Submission:

Labcorp Genetics (formerly Invitae), Labcorp
Classification: Uncertain significance for Joubert syndrome 16. Last evaluated: 2021-07-28. Review status: criteria provided, single submitter. Criteria: Invitae Variant Classification Sherloc (09022015). Collection method: clinical testing. Allele origin: germline.
Comment: In summary, the available evidence is currently insufficient to determine the role of this variant in disease. Therefore, it has been classified as a Variant of Uncertain Significance. Algorithms developed to predict the effect of missense changes on protein structure and function are either unavailable or do not agree on the potential impact of this missense change (SIFT: "Deleterious"; PolyPhen-2: "Benign"; Align-GVGD: "Class C0"). This variant has not been reported in the literature in individuals affected with TMEM138-related conditions. This variant is not present in population databases (ExAC no frequency). This sequence change replaces asparagine with isoleucine at codon 106 of the TMEM138 protein (p.Asn106Ile). The asparagine residue is moderately conserved and there is a large physicochemical difference between asparagine and isoleucine.

NM_016464.5(TMEM138):c.317A>T (p.Asn106Ile)

Gene: TMEM138 (transmembrane protein 138; plus strand). Cytogenetic location: 11q12.2.
Variant type: single nucleotide variant.
Coding change: c.317A>T on transcript NM_016464.5 (MANE Select); coding-DNA position 317, A replaced by T.
Protein change: p.Asn106Ile; replaces asparagine 106 with isoleucine.
Molecular consequence: missense variant. On other transcripts: non-coding transcript variant (1).
Genome position (GRCh38, 1-based): chr11:61,367,939, A>T. VCF-style: chr11-61367939-A-T. GRCh37 (hg19) VCF-style: chr11-61135411-A-T.
Other names: c.143A>T, p.Asn48Ile (NM_001330281.2); short protein forms N106I, N48I.
Identifiers: ClinVar variation 1410314 (VCV001410314.4), dbSNP rs932618021, ClinGen allele CA222874007.